The following is an entry in ClinVar:

ClinVar aggregate classification (germline): Conflicting classifications of pathogenicity. Review status: criteria provided, conflicting classifications (1 of 4 stars). 2 submissions from 2 submitters: Uncertain significance (1); Likely benign (1). Last evaluated 2024-04-25.

Allele frequency attached by ClinVar (database versions not stated): gnomAD 0.00001 and 0.00002; TOPMed 0.00001; ExAC 0.00003; gnomAD exomes 0.00004 and 0.00006; 1000 Genomes Project 30x 0.00016; 1000 Genomes Project 0.00020.
gnomAD v4.1: 56 of 1,612,250 alleles (0.0035%); highest among the groups gnomAD compares: South Asian, 0.045%; no homozygotes.

Submissions (2):

Labcorp Genetics (formerly Invitae), Labcorp
Classification: Uncertain significance. Last evaluated: 2024-04-25. Review status: criteria provided, single submitter. Criteria: Invitae Variant Classification Sherloc (09022015). Collection method: clinical testing. Allele origin: germline.
Comment: This sequence change replaces glutamic acid, which is acidic and polar, with lysine, which is basic and polar, at codon 219 of the GUCY2C protein (p.Glu219Lys). The frequency data for this variant in the population databases is considered unreliable, as metrics indicate poor data quality at this position in the gnomAD database. This variant has not been reported in the literature in individuals affected with GUCY2C-related conditions. ClinVar contains an entry for this variant (Variation ID: 1443475). Advanced modeling of protein sequence and biophysical properties (such as structural, functional, and spatial information, amino acid conservation, physicochemical variation, residue mobility, and thermodynamic stability) performed at Invitae indicates that this missense variant is not expected to disrupt GUCY2C protein function with a negative predictive value of 80%. In summary, the available evidence is currently insufficient to determine the role of this variant in disease. Therefore, it has been classified as a Variant of Uncertain Significance.

Blueprint Genetics
Classification: Likely benign. Last evaluated: 2023-03-24. Review status: criteria provided, single submitter. Criteria: ACMG Guidelines, 2015. Collection method: clinical testing. Allele origin: germline.

NM_004963.4(GUCY2C):c.655G>A (p.Glu219Lys)

Genes: GUCY2C (guanylate cyclase 2C; minus strand), GUCY2C-AS1 (GUCY2C antisense RNA 1; plus strand). Cytogenetic location: 12p12.3.
Variant type: single nucleotide variant.
Coding change: c.655G>A on transcript NM_004963.4 (MANE Select); coding-DNA position 655, G replaced by A.
Protein change: p.Glu219Lys; replaces glutamic acid 219 with lysine.
Molecular consequence: missense variant.
Genome position (GRCh38, 1-based): chr12:14,681,434, C>T on the plus strand (G>A on the coding strand, the complement: GUCY2C is on the minus strand). VCF-style: chr12-14681434-C-T. GRCh37 (hg19) VCF-style: chr12-14834368-C-T.
Other names: short protein forms E219K.
Identifiers: ClinVar variation 1443475 (VCV001443475.9), dbSNP rs569162034, ClinGen allele CA6463692.